The following is an entry in ClinVar:

ClinVar aggregate classification (germline): Likely benign (1 of 4 stars; one submission).

Allele frequency attached by ClinVar (database versions not stated): gnomAD exomes 0.00004; 1000 Genomes Project 30x 0.00031; gnomAD 0.00033; ExAC 0.00041; ESP Exome Variant Server 0.00085; TOPMed 0.00110; 1000 Genomes Project 0.00120.
gnomAD v4.1: 81 of 1,613,496 alleles (0.005%); highest among the groups gnomAD compares: African/African-American, 0.075%; 1 homozygote.

Submission:

CeGaT Center for Human Genetics Tuebingen
Classification: Likely benign. Last evaluated: 2024-06-01. Review status: criteria provided, single submitter. Criteria: CeGaT Center For Human Genetics Tuebingen Variant Classification Criteria Version 2. Collection method: clinical testing. Allele origin: germline. Affected: yes. Observed: 1 variant allele.
Comment: SPRR3: BP4, BP7

NM_001097589.2(SPRR3):c.378T>C (p.Pro126=)

Gene: SPRR3 (small proline rich protein 3; plus strand). Cytogenetic location: 1q21.3.
Variant type: single nucleotide variant.
Coding change: c.378T>C on transcript NM_001097589.2 (MANE Select); coding-DNA position 378, T replaced by C.
Protein change: p.Pro126=; no amino-acid change (proline 126 retained).
Molecular consequence: synonymous variant.
Genome position (GRCh38, 1-based): chr1:153,003,398, T>C. VCF-style: chr1-153003398-T-C. GRCh37 (hg19) VCF-style: chr1-152975874-T-C.
Other names: c.378T>C, p.Pro126= (NM_005416.3).
Identifiers: ClinVar variation 3250567 (VCV003250567.18), dbSNP rs28989171.